The following is an entry in ClinVar:

ClinVar aggregate classification (germline): Uncertain significance (1 of 4 stars; one submission).

Submission:

Labcorp Genetics (formerly Invitae), Labcorp
Classification: Uncertain significance. Last evaluated: 2023-01-08. Review status: criteria provided, single submitter. Criteria: Invitae Variant Classification Sherloc (09022015). Collection method: clinical testing. Allele origin: germline.
Comment: This variant has not been reported in the literature in individuals affected with HMCN1-related conditions. In summary, the available evidence is currently insufficient to determine the role of this variant in disease. Therefore, it has been classified as a Variant of Uncertain Significance. Algorithms developed to predict the effect of missense changes on protein structure and function are either unavailable or do not agree on the potential impact of this missense change (SIFT: "Deleterious"; PolyPhen-2: "Probably Damaging"; Align-GVGD: "Class C0"). This variant is not present in population databases (gnomAD no frequency). This sequence change replaces proline, which is neutral and non-polar, with leucine, which is neutral and non-polar, at codon 838 of the HMCN1 protein (p.Pro838Leu).

NM_031935.3(HMCN1):c.2513C>T (p.Pro838Leu)

Gene: HMCN1 (hemicentin 1; plus strand). Cytogenetic location: 1q31.1.
Variant type: single nucleotide variant.
Coding change: c.2513C>T on transcript NM_031935.3 (MANE Select); coding-DNA position 2513, C replaced by T.
Protein change: p.Pro838Leu; replaces proline 838 with leucine.
Molecular consequence: missense variant.
Genome position (GRCh38, 1-based): chr1:185,977,928, C>T. VCF-style: chr1-185977928-C-T. GRCh37 (hg19) VCF-style: chr1-185947060-C-T.
Other names: short protein forms P838L.
Identifiers: ClinVar variation 2827009 (VCV002827009.3), dbSNP rs986754396, ClinGen allele CA33465243.
Genomic context (GRCh38, chr1:185,977,928, plus strand): 5'-GTTATCCAGAACCAACAATCAAATGGCGAAGATTAGACAACATGCCAATTTTCTCAAGAC[C>T]TTTTTCAGTTAGTTCCATCAGCCAACTAAGAACAGGAGCTCTCTTTATTTTAAGTAGGTT-3'
Protein context (NP_114141.2, residues 828-848): RLDNMPIFSR[Pro838Leu]FSVSSISQLR